The following is an entry in ClinVar:

ClinVar aggregate classification (germline): Uncertain significance. Review status: criteria provided, multiple submitters, no conflicts (2 of 4 stars). 4 submissions from 4 submitters: Uncertain significance (4). Last evaluated 2022-08-16.

Conditions:
Inborn genetic diseases. Identifiers: MedGen C0950123, MeSH D030342.
Donnai-Barrow syndrome. Also called: FACIOOCULOACOUSTICORENAL SYNDROME; DBS/FOAR SYNDROME. Identifiers: Orphanet 2143, MedGen C1857277, MONDO:0009104, OMIM 222448.

Allele frequency attached by ClinVar (database versions not stated): gnomAD exomes 0.00001; TOPMed 0.00001; ESP Exome Variant Server 0.00008.
gnomAD v4.1: 18 of 1,614,248 alleles (0.0011%); highest among the groups gnomAD compares: Non-Finnish European, 0.0014%; no homozygotes.

Submissions (4):

Labcorp Genetics (formerly Invitae), Labcorp
Classification: Uncertain significance. Last evaluated: 2022-08-16. Review status: criteria provided, single submitter. Criteria: Invitae Variant Classification Sherloc (09022015). Collection method: clinical testing. Allele origin: germline.
Comment: This sequence change replaces alanine, which is neutral and non-polar, with threonine, which is neutral and polar, at codon 3651 of the LRP2 protein (p.Ala3651Thr). This variant is not present in population databases (gnomAD no frequency). This variant has not been reported in the literature in individuals affected with LRP2-related conditions. ClinVar contains an entry for this variant (Variation ID: 894265). Advanced modeling of protein sequence and biophysical properties (such as structural, functional, and spatial information, amino acid conservation, physicochemical variation, residue mobility, and thermodynamic stability) performed at Invitae indicates that this missense variant is not expected to disrupt LRP2 protein function. Algorithms developed to predict the effect of sequence changes on RNA splicing suggest that this variant may disrupt the consensus splice site. In summary, the available evidence is currently insufficient to determine the role of this variant in disease. Therefore, it has been classified as a Variant of Uncertain Significance.

Ambry Genetics
Classification: Uncertain significance for Inborn genetic diseases. Last evaluated: 2021-08-09. Review status: criteria provided, single submitter. Criteria: Ambry Variant Classification Scheme 2023. Collection method: clinical testing. Allele origin: germline.

Blueprint Genetics
Classification: Uncertain significance. Last evaluated: 2019-01-04. Review status: criteria provided, single submitter. Criteria: ACMG Guidelines, 2015. Collection method: clinical testing. Allele origin: germline.

Illumina Laboratory Services, Illumina
Classification: Uncertain significance for Donnai-Barrow syndrome. Last evaluated: 2018-01-13. Review status: criteria provided, single submitter. Criteria: ICSL Variant Classification Criteria 13 December 2019. Collection method: clinical testing. Allele origin: germline.

NM_004525.3(LRP2):c.10951G>A (p.Ala3651Thr)

Gene: LRP2 (LDL receptor related protein 2; minus strand). Cytogenetic location: 2q31.1.
Variant type: single nucleotide variant.
Coding change: c.10951G>A on transcript NM_004525.3 (MANE Select); coding-DNA position 10951, G replaced by A.
Protein change: p.Ala3651Thr; replaces alanine 3651 with threonine.
Molecular consequence: missense variant.
Genome position (GRCh38, 1-based): chr2:169,173,982, C>T on the plus strand (G>A on the coding strand, the complement: LRP2 is on the minus strand). VCF-style: chr2-169173982-C-T. GRCh37 (hg19) VCF-style: chr2-170030492-C-T.
Other names: short protein forms A3651T.
Identifiers: ClinVar variation 894265 (VCV000894265.8), dbSNP rs369245716, ClinGen allele CA59909652.